The following is an entry in ClinVar:

ClinVar aggregate classification (germline): Uncertain significance. Review status: criteria provided, multiple submitters, no conflicts (2 of 4 stars). 4 submissions from 4 submitters: Uncertain significance (4). Last evaluated 2026-04-30.

Conditions:
Inborn genetic diseases. Identifiers: MedGen C0950123, MeSH D030342.
Retinitis pigmentosa 71 (RP71). Identifiers: Orphanet 791, MedGen C4225342, MONDO:0014618, OMIM 616394.
Short-rib thoracic dysplasia 10 with or without polydactyly (SRTD10). Identifiers: Orphanet 474, MedGen C3810175, MONDO:0014284, OMIM 615630.
Bardet-Biedl syndrome 20. Identifiers: MedGen C4310707, MONDO:0023670, OMIM 619471, MONDO:0014926.
IFT172-related disorder. Also called: IFT172-related condition; IFT172-related disorders.

Allele frequency attached by ClinVar (database versions not stated): TOPMed below 0.00001; ExAC 0.00001; gnomAD exomes 0.00001 and 0.00003.
gnomAD v4.1: 46 of 1,613,552 alleles (0.0029%); highest among the groups gnomAD compares: Non-Finnish European, 0.0039%; no homozygotes.

Submissions (4):

PreventionGenetics, part of Exact Sciences
Classification: Uncertain significance for IFT172-related condition. Last evaluated: 2026-04-30. Review status: criteria provided, single submitter. Criteria: ACMG Guidelines, 2015. Collection method: clinical testing. Allele origin: germline.
Comment: The IFT172 c.338G>A variant is predicted to result in the amino acid substitution p.Ser113Asn. To our knowledge, this variant has not been reported in the literature. This variant is reported in 0.0026% of alleles in individuals of European (Non-Finnish) descent in gnomAD. At this time, the clinical significance of this variant is uncertain due to the absence of conclusive functional and genetic evidence.

Fulgent Genetics
Classification: Uncertain significance for Short-rib thoracic dysplasia 10 with or without polydactyly; Retinitis pigmentosa 71; Bardet-Biedl syndrome 20. Last evaluated: 2024-02-29. Review status: criteria provided, single submitter. Criteria: ACMG Guidelines, 2015. Collection method: clinical testing. Allele origin: germline.

Labcorp Genetics (formerly Invitae), Labcorp
Classification: Uncertain significance for Retinitis pigmentosa 71; Short-rib thoracic dysplasia 10 with or without polydactyly. Last evaluated: 2024-02-24. Review status: criteria provided, single submitter. Criteria: Invitae Variant Classification Sherloc (09022015). Collection method: clinical testing. Allele origin: germline.
Comment: This sequence change replaces serine, which is neutral and polar, with asparagine, which is neutral and polar, at codon 113 of the IFT172 protein (p.Ser113Asn). This variant is present in population databases (rs778306652, gnomAD 0.003%). This variant has not been reported in the literature in individuals affected with IFT172-related conditions. ClinVar contains an entry for this variant (Variation ID: 1492850). An algorithm developed to predict the effect of missense changes on protein structure and function (PolyPhen-2) suggests that this variant¬¨‚Ä†is likely to be tolerated. In summary, the available evidence is currently insufficient to determine the role of this variant in disease. Therefore, it has been classified as a Variant of Uncertain Significance.

Ambry Genetics
Classification: Uncertain significance for Inborn genetic diseases. Last evaluated: 2023-02-07. Review status: criteria provided, single submitter. Criteria: Ambry Variant Classification Scheme 2023. Collection method: clinical testing. Allele origin: germline.

NM_015662.3(IFT172):c.338G>A (p.Ser113Asn)

Gene: IFT172 (intraflagellar transport 172; minus strand). Cytogenetic location: 2p23.3.
Variant type: single nucleotide variant.
Coding change: c.338G>A on transcript NM_015662.3 (MANE Select); coding-DNA position 338, G replaced by A.
Protein change: p.Ser113Asn; replaces serine 113 with asparagine.
Molecular consequence: missense variant.
Genome position (GRCh38, 1-based): chr2:27,483,936, C>T on the plus strand (G>A on the coding strand, the complement: IFT172 is on the minus strand). VCF-style: chr2-27483936-C-T. GRCh37 (hg19) VCF-style: chr2-27706803-C-T.
Other names: c.338G>A (NM_015662.2, NM_015662.1); short protein forms S113N.
Identifiers: ClinVar variation 1492850 (VCV001492850.11), dbSNP rs778306652, ClinGen allele CA1581012.
Genomic context (GRCh38, chr2:27,483,936, plus strand): 5'-CCTTCAGCCAGTCCAAAGACAATGATGTATTCTGCCGGCCATTGCAGACAAGTGACAGCA[C>T]TCTGCGTGGAAGGAAACAATGAAAAGGATAACCCCATCTGTGTGGGCCAGCACTTTTATA-3'
Protein context (NP_056477.1, residues 103-123): KVICNKFIQT[Ser113Asn]AVTCLQWPAE